The following is an entry in ClinVar:

NM_001458.5(FLNC):c.5233T>A (p.Ser1745Thr)

Gene: FLNC (filamin C; plus strand). Cytogenetic location: 7q32.1.
Variant type: single nucleotide variant.
Coding change: c.5233T>A on transcript NM_001458.5 (MANE Select); coding-DNA position 5233, T replaced by A.
Protein change: p.Ser1745Thr; replaces serine 1745 with threonine.
Molecular consequence: missense variant. On other transcripts: intron variant (1).
Genome position (GRCh38, 1-based): chr7:128,850,009, T>A. VCF-style: chr7-128850009-T-A. GRCh37 (hg19) VCF-style: chr7-128490063-T-A.
Other names: c.5200-375T>A (NM_001127487.2); short protein forms S1745T.
Identifiers: ClinVar variation 1998297 (VCV001998297.4), dbSNP rs2536651953, ClinGen allele CA369204578.
Genomic context (GRCh38, chr7:128,850,009, plus strand): 5'-CTGTGCCCCCGTGCCTTGCCTCCCCAGGCGTGTGACCCCCTGCCGCACGAGGAGGAGCCC[T>A]CTGAAGTGCCACAGCTGCGCCAGCCCTACGCTCCTCCCCGGCCCGGCGCCCGCCCCACAC-3'
Protein context (NP_001449.3, residues 1735-1755): CDPLPHEEEP[Ser1745Thr]EVPQLRQPYA

ClinVar aggregate classification (germline): Uncertain significance (1 of 4 stars; one submission).

Conditions:
Distal myopathy with posterior leg and anterior hand involvement. Also called: WILLIAMS DISTAL MYOPATHY. Identifiers: Orphanet 63273, MedGen C3279722, MONDO:0013550, OMIM 614065.
Myofibrillar myopathy 5. Also called: Filaminopathy (type); FILAMINOPATHY, AUTOSOMAL DOMINANT. Identifiers: Orphanet 171445, MedGen C1836050, MONDO:0012289, OMIM 609524.
Hypertrophic cardiomyopathy 26. Also called: Cardiomyopathy, familial hypertrophic, 26. Identifiers: Orphanet 75249, MedGen C4310749, MONDO:0014883, OMIM 617047.

Submission:

Labcorp Genetics (formerly Invitae), Labcorp
Classification: Uncertain significance for Distal myopathy with posterior leg and anterior hand involvement; Myofibrillar myopathy 5; Hypertrophic cardiomyopathy 26. Last evaluated: 2024-10-30. Review status: criteria provided, single submitter. Criteria: Invitae Variant Classification Sherloc (09022015). Collection method: clinical testing. Allele origin: germline.
Comment: This sequence change replaces serine, which is neutral and polar, with threonine, which is neutral and polar, at codon 1745 of the FLNC protein (p.Ser1745Thr). This variant is not present in population databases (gnomAD no frequency). This variant has not been reported in the literature in individuals affected with FLNC-related conditions. ClinVar contains an entry for this variant (Variation ID: 1998297). An algorithm developed to predict the effect of missense changes on protein structure and function (PolyPhen-2) suggests that this variant is likely to be tolerated. In summary, the available evidence is currently insufficient to determine the role of this variant in disease. Therefore, it has been classified as a Variant of Uncertain Significance.